The following is an entry in ClinVar:

ClinVar aggregate classification (germline): Uncertain significance (1 of 4 stars; one submission).

Conditions:
Inborn genetic diseases. Identifiers: MedGen C0950123, MeSH D030342.

Submission:

Ambry Genetics
Classification: Uncertain significance for Inborn genetic diseases. Last evaluated: 2025-12-10. Review status: criteria provided, single submitter. Criteria: Ambry Variant Classification Scheme 2023. Collection method: clinical testing. Allele origin: germline.
Comment: The p.R428I variant (also known as c.1283G>T), located in coding exon 7 of the ERCC6L2 gene, results from a G to T substitution at nucleotide position 1283. The arginine at codon 428 is replaced by isoleucine, an amino acid with similar properties. This amino acid position is conserved. In addition, the in silico prediction for this alteration is inconclusive. Based on the available evidence, the clinical significance of this variant remains unclear.

NM_020207.7(ERCC6L2):c.1283G>T (p.Arg428Ile)

Gene: ERCC6L2 (ERCC excision repair 6 like 2; plus strand). Cytogenetic location: 9q22.32.
Variant type: single nucleotide variant.
Coding change: c.1283G>T on transcript NM_020207.7 (MANE Select); coding-DNA position 1283, G replaced by T.
Protein change: p.Arg428Ile; replaces arginine 428 with isoleucine.
Molecular consequence: missense variant. On other transcripts: non-coding transcript variant (1).
Genome position (GRCh38, 1-based): chr9:95,921,299, G>T. VCF-style: chr9-95921299-G-T. GRCh37 (hg19) VCF-style: chr9-98683581-G-T.
Other names: c.1283G>T, p.Arg428Ile (NM_001010895.4, NM_001375291.1, NM_001375292.1 and 2 more transcripts); short protein forms R428I.
Identifiers: ClinVar variation 4618787 (VCV004618787.1).
Genomic context (GRCh38, chr9:95,921,299, plus strand): 5'-ACGTGACTTTGATACTTCAATCTTCTGAGCCTTGTACCTGTAGGAGTGGCCAAAAAAGGA[G>T]AAATTGTTGTTATAAGGCAAGCATTTCAATATATCTTTATAATCATGCTTTTGATTACAT-3'
Protein context (NP_064592.3, residues 418-438): PCTCRSGQKR[Arg428Ile]NCCYKTNSHG